The following is an entry in ClinVar:

NM_004859.4(CLTC):c.3442+3A>G

Gene: CLTC (clathrin heavy chain; plus strand). Cytogenetic location: 17q23.1.
Variant type: single nucleotide variant.
Coding change: c.3442+3A>G on transcript NM_004859.4 (MANE Select); 3 bases into the intron after coding-DNA position 3442, A replaced by G.
Molecular consequence: intron variant.
Genome position (GRCh38, 1-based): chr17:59,681,842, A>G. VCF-style: chr17-59681842-A-G. GRCh37 (hg19) VCF-style: chr17-57759203-A-G.
Other names: c.3454+3A>G (NM_001288653.2).
Identifiers: ClinVar variation 1897190 (VCV001897190.5), dbSNP rs1359737988, ClinGen allele CA627145153.

ClinVar aggregate classification (germline): Uncertain significance (1 of 4 stars; one submission).

Allele frequency attached by ClinVar (database versions not stated): TOPMed below 0.00001; gnomAD exomes 0.00001.
gnomAD v4.1: 7 of 1,608,462 alleles (0.00044%); highest among the groups gnomAD compares: Admixed American, 0.0017%; no homozygotes.

Submission:

Labcorp Genetics (formerly Invitae), Labcorp
Classification: Uncertain significance. Last evaluated: 2024-06-25. Review status: criteria provided, single submitter. Criteria: Invitae Variant Classification Sherloc (09022015). Collection method: clinical testing. Allele origin: germline.
Comment: This sequence change falls in intron 21 of the CLTC gene. It does not directly change the encoded amino acid sequence of the CLTC protein. It affects a nucleotide within the consensus splice site. This variant is present in population databases (no rsID available, gnomAD 0.003%). This variant has not been reported in the literature in individuals affected with CLTC-related conditions. ClinVar contains an entry for this variant (Variation ID: 1897190). Variants that disrupt the consensus splice site are a relatively common cause of aberrant splicing (PMID: 17576681, 9536098). Algorithms developed to predict the effect of sequence changes on RNA splicing suggest that this variant may disrupt the consensus splice site. In summary, the available evidence is currently insufficient to determine the role of this variant in disease. Therefore, it has been classified as a Variant of Uncertain Significance.

Literature cited by the submitters: PubMed 17576681; PubMed 9536098.